The following is an entry in ClinVar:

NM_000108.5(DLD):c.901G>C (p.Ala301Pro)

Gene: DLD (dihydrolipoamide dehydrogenase; plus strand). Cytogenetic location: 7q31.1.
Variant type: single nucleotide variant.
Coding change: c.901G>C on transcript NM_000108.5 (MANE Select); coding-DNA position 901, G replaced by C.
Protein change: p.Ala301Pro; replaces alanine 301 with proline.
Molecular consequence: missense variant.
Genome position (GRCh38, 1-based): chr7:107,916,819, G>C. VCF-style: chr7-107916819-G-C. GRCh37 (hg19) VCF-style: chr7-107557264-G-C.
Other names: c.604G>C, p.Ala202Pro (NM_001289750.1); c.832G>C, p.Ala278Pro (NM_001289751.1); c.757G>C, p.Ala253Pro (NM_001289752.1); short protein forms A253P, A301P, A202P, A278P.
Identifiers: ClinVar variation 1942982 (VCV001942982.5), dbSNP rs1466290130, ClinGen allele CA368857494.

ClinVar aggregate classification (germline): Uncertain significance (1 of 4 stars; one submission).

Conditions:
Pyruvate dehydrogenase E3 deficiency (DLDD). Also called: Lipoamide dehydrogenase deficiency; MAPLE SYRUP URINE DISEASE, TYPE III; DLD DEFICIENCY; E3 DEFICIENCY; Dihydrolipoamide Dehydrogenase E3 Deficiency; Dihydrolipoamide Dehydrogenase (E3) Deficiency. Identifiers: Orphanet 2394, Orphanet 765, MedGen C5574660, MONDO:0009529, OMIM 246900.

Submission:

Labcorp Genetics (formerly Invitae), Labcorp
Classification: Uncertain significance for Pyruvate dehydrogenase E3 deficiency. Last evaluated: 2022-07-19. Review status: criteria provided, single submitter. Criteria: Invitae Variant Classification Sherloc (09022015). Collection method: clinical testing. Allele origin: germline.
Comment: Algorithms developed to predict the effect of missense changes on protein structure and function (SIFT, PolyPhen-2, Align-GVGD) all suggest that this variant is likely to be tolerated. This variant has not been reported in the literature in individuals affected with DLD-related conditions. This variant is not present in population databases (gnomAD no frequency). This sequence change replaces alanine, which is neutral and non-polar, with proline, which is neutral and non-polar, at codon 301 of the DLD protein (p.Ala301Pro). In summary, the available evidence is currently insufficient to determine the role of this variant in disease. Therefore, it has been classified as a Variant of Uncertain Significance.